The following is an entry in ClinVar:

NM_153682.3(PIGP):c.237G>A (p.Met79Ile)

Gene: PIGP (phosphatidylinositol glycan anchor biosynthesis class P; minus strand). Cytogenetic location: 21q22.13.
Variant type: single nucleotide variant.
Coding change: c.237G>A on transcript NM_153682.3 (MANE Select); coding-DNA position 237, G replaced by A.
Protein change: p.Met79Ile; replaces methionine 79 with isoleucine.
Molecular consequence: missense variant.
Genome position (GRCh38, 1-based): chr21:37,067,299, C>T on the plus strand (G>A on the coding strand, the complement: PIGP is on the minus strand). VCF-style: chr21-37067299-C-T. GRCh37 (hg19) VCF-style: chr21-38439599-C-T.
Other names: c.237G>A, p.Met79Ile (NM_001320480.2); c.159G>A, p.Met53Ile (NM_016430.4); c.309G>A, p.Met103Ile (NM_153681.2); short protein forms M103I, M79I, M53I.
Identifiers: ClinVar variation 1973242 (VCV001973242.2), dbSNP rs1320018997, ClinGen allele CA409919323.
Genomic context (GRCh38, chr21:37,067,299, plus strand): 5'-ACTTTCCTTTTATATAAAGTTACCTGTGATTGTATGGATGGAGTCGAGTGGAGAGGTACT[C>T]ATCATGTTAATCCCAAACAAGAGCACGTAGCCAATTACTATAGCAATAAGGAGGTAGACA-3'
Protein context (NP_710149.1, residues 69-89): GYVLLFGINM[Met79Ile]STSPLDSIHT

ClinVar aggregate classification (germline): Uncertain significance (1 of 4 stars; one submission).

Allele frequency attached by ClinVar (database versions not stated): gnomAD exomes below 0.00001; TOPMed 0.00001.
gnomAD v4.1: 1 of 1,609,324 alleles (0.000062%); highest among the groups gnomAD compares: Admixed American, 0.0017%; no homozygotes.

Submission:

Labcorp Genetics (formerly Invitae), Labcorp
Classification: Uncertain significance. Last evaluated: 2022-04-20. Review status: criteria provided, single submitter. Criteria: Invitae Variant Classification Sherloc (09022015). Collection method: clinical testing. Allele origin: germline.
Comment: This sequence change replaces methionine, which is neutral and non-polar, with isoleucine, which is neutral and non-polar, at codon 103 of the PIGP protein (p.Met103Ile). This variant is present in population databases (no rsID available, gnomAD 0.006%). This variant has not been reported in the literature in individuals affected with PIGP-related conditions. Algorithms developed to predict the effect of missense changes on protein structure and function (SIFT, PolyPhen-2, Align-GVGD) all suggest that this variant is likely to be tolerated. In summary, the available evidence is currently insufficient to determine the role of this variant in disease. Therefore, it has been classified as a Variant of Uncertain Significance.